The following is an entry in ClinVar:

ClinVar aggregate classification (germline): Uncertain significance (1 of 4 stars; one submission).

Conditions:
Cardiovascular phenotype. Identifiers: MedGen CN230736.

Allele frequency attached by ClinVar (database versions not stated): TOPMed 0.00001.

Submission:

Ambry Genetics
Classification: Uncertain significance for Cardiovascular phenotype. Last evaluated: 2020-08-17. Review status: criteria provided, single submitter. Criteria: Ambry Variant Classification Scheme 2023. Collection method: clinical testing. Allele origin: germline.
Comment: The c.551+4A>G intronic variant results from an A to G substitution 4 nucleotides after coding exon 5 in the TECRL gene. This nucleotide position is highly conserved in available vertebrate species. In silico splice site analysis predicts that this alteration will weaken the native splice donor site. Since supporting evidence is limited at this time, the clinical significance of this alteration remains unclear.

NM_001010874.5(TECRL):c.551+4A>G

Gene: TECRL (trans-2,3-enoyl-CoA reductase like; minus strand). Cytogenetic location: 4q13.1.
Variant type: single nucleotide variant.
Coding change: c.551+4A>G on transcript NM_001010874.5 (MANE Select); 4 bases into the intron after coding-DNA position 551, A replaced by G.
Molecular consequence: intron variant.
Genome position (GRCh38, 1-based): chr4:64,314,644, T>C on the plus strand (A>G on the coding strand, the complement: TECRL is on the minus strand). VCF-style: chr4-64314644-T-C. GRCh37 (hg19) VCF-style: chr4-65180362-T-C.
Other names: c.551+4A>G (NM_001363796.1).
Identifiers: ClinVar variation 1748036 (VCV001748036.2), dbSNP rs1281085195, ClinGen allele CA552144011.
Genomic context (GRCh38, chr4:64,314,644, plus strand): 5'-GTGTATGGTGTGTGTGTGTGTGTGTGTGTGTGTGTGTGTGTGTGTGTGTGTGTGTATCAC[T>C]TACTGTACCACTGGGTGGCGTAATCTTCTAGCACTCTCTTTTCCATCATATATACATGGG-3'